The following is an entry in ClinVar:

ClinVar aggregate classification (germline): Pathogenic (1 of 4 stars; one submission).

Conditions:
Developmental and epileptic encephalopathy, 9 (DEE9). Also called: Early infantile epileptic encephalopathy 9; EPILEPSY, FEMALE-RESTRICTED, WITH MENTAL RETARDATION; JUBERG-HELLMAN SYNDROME; PCDH19-Related X-Linked Female-Limited Epilepsy with Mental Retardation. Identifiers: Orphanet 101039, Orphanet 2076, MedGen C1848137, MONDO:0010246, OMIM 300088. Disease mechanism: loss of function.

Submission:

Labcorp Genetics (formerly Invitae), Labcorp
Classification: Pathogenic for Developmental and epileptic encephalopathy, 9. Last evaluated: 2021-11-24. Review status: criteria provided, single submitter. Criteria: Invitae Variant Classification Sherloc (09022015). Collection method: clinical testing. Allele origin: germline.
Comment: For these reasons, this variant has been classified as Pathogenic. This variant has not been reported in the literature in individuals affected with PCDH19-related conditions. This variant is not present in population databases (gnomAD no frequency). This sequence change creates a premature translational stop signal (p.Pro861Valfs*3) in the PCDH19 gene. It is expected to result in an absent or disrupted protein product. Loss-of-function variants in PCDH19 are known to be pathogenic (PMID: 21053371).

Literature cited by the submitters: PubMed 21053371.

NM_001184880.2(PCDH19):c.2581_2582delinsG (p.Pro861fs)

Genes: PCDH19 (protocadherin 19; minus strand), LOC125467768 (CDK7 strongly-dependent group 2 enhancer GRCh37_chrX:99657381-99658580; plus strand). Cytogenetic location: Xq22.1.
Variant type: Indel.
Coding change: c.2581_2582delinsG on transcript NM_001184880.2 (MANE Select); coding-DNA positions 2581 to 2582, CC replaced by G.
Protein change: p.Pro861fs; shifts the reading frame from proline 861.
Molecular consequence: frameshift variant.
Genome position (GRCh38, 1-based): chrX:100,402,558-100,402,559, GG replaced by C on the plus strand (CC replaced by G on the coding strand, the reverse complement: PCDH19 is on the minus strand). VCF-style: chrX-100402558-GG-C. GRCh37 (hg19) VCF-style: chrX-99657556-GG-C.
Other names: c.2440_2441delinsG, p.Pro814fs (NM_001105243.2, NM_020766.3); short protein forms P861fs, P814fs.
Identifiers: ClinVar variation 2135912 (VCV002135912.4), dbSNP rs2520955229, ClinGen allele CA2580100027.